The following is an entry in ClinVar:

NM_007163.4(SLC14A2):c.1548C>T (p.Val516=)

Gene: SLC14A2 (solute carrier family 14 member 2; plus strand). Cytogenetic location: 18q12.3.
Variant type: single nucleotide variant.
Coding change: c.1548C>T on transcript NM_007163.4 (MANE Select); coding-DNA position 1548, C replaced by T.
Protein change: p.Val516=; no amino-acid change (valine 516 retained).
Molecular consequence: synonymous variant.
Genome position (GRCh38, 1-based): chr18:45,666,210, C>T. VCF-style: chr18-45666210-C-T. GRCh37 (hg19) VCF-style: chr18-43246175-C-T.
Other names: c.1548C>T, p.Val516= (NM_001242692.2, NM_001371319.1).
Identifiers: ClinVar variation 4821957 (VCV004821957.4).

ClinVar aggregate classification (germline): Likely benign (1 of 4 stars; one submission).

gnomAD v4.1: 12 of 1,611,148 alleles (0.00074%); highest among the groups gnomAD compares: Middle Eastern, 0.016%; no homozygotes.

Submission:

CeGaT Center for Human Genetics Tuebingen
Classification: Likely benign. Last evaluated: 2026-03-01. Review status: criteria provided, single submitter. Criteria: CeGaT Center For Human Genetics Tuebingen Variant Classification Criteria Version 2. Collection method: clinical testing. Allele origin: germline. Affected: yes. Observed: 1 variant allele.
Comment: SLC14A2: BP4, BP7